The following is an entry in ClinVar:

NM_001377295.2(GNAT2):c.257G>C (p.Arg86Pro)

Gene: GNAT2 (G protein subunit alpha transducin 2; minus strand). Cytogenetic location: 1p13.3.
Variant type: single nucleotide variant.
Coding change: c.257G>C on transcript NM_001377295.2 (MANE Select); coding-DNA position 257, G replaced by C.
Protein change: p.Arg86Pro; replaces arginine 86 with proline.
Molecular consequence: missense variant.
Genome position (GRCh38, 1-based): chr1:109,610,086, C>G on the plus strand (G>C on the coding strand, the complement: GNAT2 is on the minus strand). VCF-style: chr1-109610086-C-G. GRCh37 (hg19) VCF-style: chr1-110152708-C-G.
Other names: c.257G>C, p.Arg86Pro (NM_001379232.1, NM_005272.5); short protein forms R86P.
Identifiers: ClinVar variation 1036717 (VCV001036717.9), dbSNP rs140250745, ClinGen allele CA992482.
Genomic context (GRCh38, chr1:109,610,086, plus strand): 5'-TAGTAATCACATACCGCACAGCTTGGTTCAGCATAATCGATGCCCAGTGTGGTCATGGCC[C>G]GGATGATAGCCAGGATGGACTGCAGCACATTTCCATAGATGATAGCCTTGAACTCCAGGC-3'
Protein context (NP_001364224.1, residues 76-96): NVLQSILAII[Arg86Pro]AMTTLGIDYA

ClinVar aggregate classification (germline): Uncertain significance. Review status: criteria provided, multiple submitters, no conflicts (2 of 4 stars). 3 submissions from 3 submitters: Uncertain significance (2). 1 of the submissions does not count toward it. Last evaluated 2025-01-13.

Conditions:
Retinal dystrophy. Also called: Inherited retinal dystrophy. Identifiers: Orphanet 71862, MedGen C0854723, MeSH D058499, MONDO:0019118, HP:0000556.

Allele frequency attached by ClinVar (database versions not stated): TOPMed 0.00006.

Submissions (3):

Labcorp Genetics (formerly Invitae), Labcorp
Classification: Uncertain significance. Last evaluated: 2025-01-13. Review status: criteria provided, single submitter. Criteria: Invitae Variant Classification Sherloc (09022015). Collection method: clinical testing. Allele origin: germline.
Comment: This sequence change replaces arginine, which is basic and polar, with proline, which is neutral and non-polar, at codon 86 of the GNAT2 protein (p.Arg86Pro). This variant is present in population databases (rs140250745, gnomAD 0.01%). This variant has not been reported in the literature in individuals affected with GNAT2-related conditions. ClinVar contains an entry for this variant (Variation ID: 1036717). Invitae Evidence Modeling of protein sequence and biophysical properties (such as structural, functional, and spatial information, amino acid conservation, physicochemical variation, residue mobility, and thermodynamic stability) indicates that this missense variant is not expected to disrupt GNAT2 protein function with a negative predictive value of 80%. In summary, the available evidence is currently insufficient to determine the role of this variant in disease. Therefore, it has been classified as a Variant of Uncertain Significance.

Blueprint Genetics
Classification: Uncertain significance. Last evaluated: 2024-10-11. Review status: criteria provided, single submitter. Criteria: ACMG Guidelines, 2015. Collection method: clinical testing. Allele origin: germline.

Institute of Human Genetics, Univ. Regensburg, Univ. Regensburg
Classification: Uncertain significance for Retinal dystrophy. Last evaluated: 2018-01-01. Review status: no assertion criteria provided. Criteria: ACMG Guidelines, 2015. Collection method: clinical testing. Allele origin: germline. Affected: yes. Not counted in ClinVar's aggregate classification.